The following is an entry in ClinVar:

NM_006517.5(SLC16A2):c.455G>A (p.Gly152Asp)

Gene: SLC16A2 (solute carrier family 16 member 2; plus strand). Cytogenetic location: Xq13.2.
Variant type: single nucleotide variant.
Coding change: c.455G>A on transcript NM_006517.5 (MANE Select); coding-DNA position 455, G replaced by A.
Protein change: p.Gly152Asp; replaces glycine 152 with aspartic acid.
Molecular consequence: missense variant.
Genome position (GRCh38, 1-based): chrX:74,521,014, G>A. VCF-style: chrX-74521014-G-A. GRCh37 (hg19) VCF-style: chrX-73740849-G-A.
Other names: short protein forms G152D.
Identifiers: ClinVar variation 3365792 (VCV003365792.1).

ClinVar aggregate classification (germline): Uncertain significance (1 of 4 stars; one submission).

Submission:

GeneDx
Classification: Uncertain significance. Last evaluated: 2023-12-17. Review status: criteria provided, single submitter. Criteria: GeneDx Variant Classification Process June 2021. Collection method: clinical testing. Allele origin: germline. Affected: yes.
Comment: Not observed at significant frequency in large population cohorts (gnomAD); In silico analysis supports that this missense variant has a deleterious effect on protein structure/function; Has not been previously published as pathogenic or benign to our knowledge